The following is an entry in ClinVar:

ClinVar aggregate classification (germline): Pathogenic (1 of 4 stars; one submission).

Conditions:
Arrhythmogenic right ventricular dysplasia 9 (ARVD9). Also called: Arrhythmogenic Right Ventricular Dysplasia/Cardiomyopathy 9; ARRHYTHMOGENIC RIGHT VENTRICULAR DYSPLASIA, FAMILIAL, 9. Identifiers: MedGen C1836906, MONDO:0012180, OMIM 609040.

Submission:

Labcorp Genetics (formerly Invitae), Labcorp
Classification: Pathogenic for Arrhythmogenic right ventricular dysplasia 9. Last evaluated: 2022-09-10. Review status: criteria provided, single submitter. Criteria: Invitae Variant Classification Sherloc (09022015). Collection method: clinical testing. Allele origin: germline.
Comment: This sequence change creates a premature translational stop signal (p.Tyr831Glnfs*5) in the PKP2 gene. It is expected to result in an absent or disrupted protein product. Loss-of-function variants in PKP2 are known to be pathogenic (PMID: 15489853, 23911551). This variant is not present in population databases (gnomAD no frequency). This variant has not been reported in the literature in individuals affected with PKP2-related conditions. For these reasons, this variant has been classified as Pathogenic.

Literature cited by the submitters: PubMed 15489853; PubMed 23911551.

NM_001005242.3(PKP2):c.2359_2366del (p.Tyr787fs)

Gene: PKP2 (plakophilin 2; minus strand). Cytogenetic location: 12p11.21.
Variant type: Deletion.
Coding change: c.2359_2366del on transcript NM_001005242.3 (MANE Select); coding-DNA positions 2359 to 2366, 8 bases deleted (TATGCCTC; older notation c.2359_2366delTATGCCTC).
Protein change: p.Tyr787fs; shifts the reading frame from tyrosine 787.
Molecular consequence: frameshift variant.
Genome position (GRCh38, 1-based): chr12:32,792,723-32,792,730, GAGGCATA deleted on the plus strand (TATGCCTC on the coding strand, the reverse complement: PKP2 is on the minus strand); deleting any 8 consecutive bases within chr12:32,792,723-32,792,731 gives the same sequence; the c. name uses the placement nearest the transcript's 3' end. VCF-style (leftmost placement, unchanged base first): chr12-32792722-GGAGGCATA-G. GRCh37 (hg19) VCF-style: chr12-32945656-GGAGGCATA-G.
Other names: c.2168_2175delCTATGCCT, p.Met724Asnfs (NM_001407155.1); c.2193_2200delCTATGCCT, p.Tyr732Glnfs (NM_001407156.1); c.2031_2038delCTATGCCT, p.Tyr678Glnfs (NM_001407158.1, NM_001407159.1); c.1841_1848delCTATGCCT, p.Met615Asnfs (NM_001407160.1); c.2491_2498del, p.Tyr831fs (NM_004572.4); short protein forms Y831fs, Y787fs.
Identifiers: ClinVar variation 2029806 (VCV002029806.4), dbSNP rs2541184950, ClinGen allele CA2580085406.